The following is an entry in ClinVar:

NM_000211.5(ITGB2):c.19C>G (p.Pro7Ala)

Gene: ITGB2 (integrin subunit beta 2; minus strand). Cytogenetic location: 21q22.3.
Variant type: single nucleotide variant.
Coding change: c.19C>G on transcript NM_000211.5 (MANE Select); coding-DNA position 19, C replaced by G.
Protein change: p.Pro7Ala; replaces proline 7 with alanine.
Molecular consequence: missense variant. On other transcripts: 5 prime UTR variant (1).
Genome position (GRCh38, 1-based): chr21:44,910,764, G>C on the plus strand (C>G on the coding strand, the complement: ITGB2 is on the minus strand). VCF-style: chr21-44910764-G-C. GRCh37 (hg19) VCF-style: chr21-46330679-G-C.
Other names: c.19C>G, p.Pro7Ala (NM_001127491.3); c.-232C>G (NM_001303238.2); short protein forms P7A.
Identifiers: ClinVar variation 861965 (VCV000861965.10), dbSNP rs753110953, ClinGen allele CA10063492.

ClinVar aggregate classification (germline): Uncertain significance (1 of 4 stars; one submission).

Conditions:
Leukocyte adhesion deficiency 1 (LAD1). Also called: LEUKOCYTE ADHESION DEFICIENCY, TYPE I; LAD 1; Lymphocyte function-associated antigen 1 immunodeficiency; LFA 1 immunodeficiency. Identifiers: Orphanet 2968, Orphanet 99842, MedGen C0398738, MONDO:0007293, OMIM 116920.

Allele frequency attached by ClinVar (database versions not stated): gnomAD exomes below 0.00001; TOPMed below 0.00001; ExAC 0.00001.
gnomAD v4.1: 2 of 1,613,864 alleles (0.00012%); highest among the groups gnomAD compares: Non-Finnish European, 0.00017%; no homozygotes.

Submission:

Labcorp Genetics (formerly Invitae), Labcorp
Classification: Uncertain significance for Leukocyte adhesion deficiency 1. Last evaluated: 2019-01-16. Review status: criteria provided, single submitter. Criteria: Invitae Variant Classification Sherloc (09022015). Collection method: clinical testing. Allele origin: germline.
Comment: This variant is present in population databases (rs753110953, ExAC 0.002%). This sequence change replaces proline with alanine at codon 7 of the ITGB2 protein (p.Pro7Ala). The proline residue is weakly conserved and there is a small physicochemical difference between proline and alanine. This variant has not been reported in the literature in individuals with ITGB2-related conditions. In summary, the available evidence is currently insufficient to determine the role of this variant in disease. Therefore, it has been classified as a Variant of Uncertain Significance. Algorithms developed to predict the effect of missense changes on protein structure and function output the following: SIFT: "Tolerated"; PolyPhen-2: "Benign"; Align-GVGD: "Class C0". The alanine amino acid residue is found in multiple mammalian species, suggesting that this missense change does not adversely affect protein function. These predictions have not been confirmed by published functional studies and their clinical significance is uncertain.